The following is an entry in ClinVar:

ClinVar aggregate classification (germline): Pathogenic/Likely pathogenic. Review status: criteria provided, multiple submitters, no conflicts (2 of 4 stars). 4 submissions from 4 submitters: Pathogenic (2); Likely pathogenic (2). Last evaluated 2025-07-01.

Conditions:
Lamb-Shaffer syndrome. Identifiers: Orphanet 313884, Orphanet 313892, Orphanet 530983, MedGen C4225202, MONDO:0014778, OMIM 616803.

Allele frequency attached by ClinVar (database versions not stated): ExAC 0.00001.

Submissions (4):

CeGaT Center for Human Genetics Tuebingen
Classification: Likely pathogenic. Last evaluated: 2025-07-01. Review status: criteria provided, single submitter. Criteria: CeGaT Center For Human Genetics Tuebingen Variant Classification Criteria Version 2. Collection method: clinical testing. Allele origin: germline. Affected: yes. Observed: 1 variant allele.
Comment: SOX5: PM1, PM2, PM5, PP2, PP3, PS4:Supporting

GeneDx
Classification: Pathogenic. Last evaluated: 2025-04-23. Review status: criteria provided, single submitter. Criteria: GeneDx Variant Classification Process June 2021. Collection method: clinical testing. Allele origin: germline. Affected: yes.
Comment: Reported in a patient with LambShaffer syndrome in published literature (PMID: 37702321); In silico analysis supports that this missense variant has a deleterious effect on protein structure/function; This variant is associated with the following publications: (PMID: 37702321)

Greenwood Genetic Center Diagnostic Laboratories, Greenwood Genetic Center
Classification: Pathogenic for Lamb-Shaffer syndrome. Last evaluated: 2023-06-20. Review status: criteria provided, single submitter. Criteria: ACMG Guidelines, 2015. Collection method: clinical testing. Allele origin: germline. Affected: yes.
Comment: PS2, PM1, PM5, PP2, PP3

Juno Genomics, Hangzhou Juno Genomics, Inc
Classification: Likely pathogenic for Lamb-Shaffer syndrome. Review status: criteria provided, single submitter. Criteria: ACMG Guidelines, 2015. Collection method: clinical testing. Allele origin: germline. Affected: yes.
Comment: Absent from controls (or at extremely low frequency if recessive) in Genome Aggregation Database, Exome Sequencing Project, 1000 Genomes Project, or Exome Aggregation Consortium.;The prevalence of the variant in affected individuals is significantly increased compared to the prevalence in controls.;De novo (both maternity and paternity confirmed) in a patient with the disease and no family history.;Multiple lines of computational evidence support a deleterious effect on the gene or gene product (conservation, evolutionary, splicing impact, etc).;Missense variant in a gene that has a low rate of benign missense variation and where missense variants are a common mechanism of disease.;Novel missense change at an amino acid residue where a different missense change determined to be pathogenic has been seen before.

NM_006940.6(SOX5):c.1712G>A (p.Arg571Gln)

Gene: SOX5 (SRY-box transcription factor 5; minus strand). Cytogenetic location: 12p12.1.
Variant type: single nucleotide variant.
Coding change: c.1712G>A on transcript NM_006940.6 (MANE Select); coding-DNA position 1712, G replaced by A.
Protein change: p.Arg571Gln; replaces arginine 571 with glutamine.
Molecular consequence: missense variant.
Genome position (GRCh38, 1-based): chr12:23,543,270, C>T on the plus strand (G>A on the coding strand, the complement: SOX5 is on the minus strand). VCF-style: chr12-23543270-C-T. GRCh37 (hg19) VCF-style: chr12-23696204-C-T.
Other names: c.1349G>A, p.Arg450Gln (NM_001261414.3); c.1682G>A, p.Arg561Gln (NM_001261415.3); c.1607G>A, p.Arg536Gln (NM_001330785.2); c.1673G>A, p.Arg558Gln (NM_152989.5); c.554G>A, p.Arg185Gln (NM_178010.4); c.1712G>A (NM_006940.4); short protein forms R185Q, R450Q, R536Q, R558Q, R561Q, R571Q.
Identifiers: ClinVar variation 2572283 (VCV002572283.12), dbSNP rs773832380, ClinGen allele CA6483991.